The following is an entry in ClinVar:

ClinVar aggregate classification (germline): Uncertain significance (1 of 4 stars; one submission).

Conditions:
Epidermolysis bullosa simplex 5B, with muscular dystrophy (EBS5B). Also called: Epidermolysis bullosa simplex with muscular dystrophy; EPIDERMOLYSIS BULLOSA SIMPLEX AND LIMB-GIRDLE MUSCULAR DYSTROPHY. Identifiers: Orphanet 257, MedGen C2931072, MONDO:0009181, OMIM 226670.
Epidermolysis bullosa simplex, Ogna type (EBS5A). Also called: Pidermolysis bullosa simplex 5A, Ogna type; EPIDERMOLYSIS BULLOSA SIMPLEX 5A, OGNA TYPE. Identifiers: Orphanet 79401, MedGen C0432317, MONDO:0007555, OMIM 131950.
Autosomal recessive limb-girdle muscular dystrophy type 2Q (LGMDR17). Also called: MUSCULAR DYSTROPHY, LIMB-GIRDLE, AUTOSOMAL RECESSIVE 17. Identifiers: Orphanet 254361, MedGen C3150989, MONDO:0013390, OMIM 613723.
Epidermolysis bullosa simplex with nail dystrophy (EBS5D). Identifiers: MedGen C4225309, MONDO:0014661, OMIM 616487.
Epidermolysis bullosa simplex 5C, with pyloric atresia (EBS5C). Also called: Epidermolysis bullosa simplex with pyloric atresia; PLEC-Related Epidermolysis Bullosa with Pyloric Atresia; PLEC1-Related Epidermolysis Bullosa with Pyloric Atresia. Identifiers: Orphanet 158684, MedGen C2677349, MONDO:0012807, OMIM 612138.

Submission:

Labcorp Genetics (formerly Invitae), Labcorp
Classification: Uncertain significance for Autosomal recessive limb-girdle muscular dystrophy type 2Q; Epidermolysis bullosa simplex, Ogna type; Epidermolysis bullosa simplex with nail dystrophy; Epidermolysis bullosa simplex 5C, with pyloric atresia; Epidermolysis bullosa simplex 5B, with muscular dystrophy. Last evaluated: 2022-11-08. Review status: criteria provided, single submitter. Criteria: Invitae Variant Classification Sherloc (09022015). Collection method: clinical testing. Allele origin: germline.
Comment: This sequence change replaces arginine, which is basic and polar, with serine, which is neutral and polar, at codon 2050 of the PLEC protein (p.Arg2050Ser). This variant is not present in population databases (gnomAD no frequency). This variant has not been reported in the literature in individuals affected with PLEC-related conditions. ClinVar contains an entry for this variant (Variation ID: 1382387). Algorithms developed to predict the effect of missense changes on protein structure and function are either unavailable or do not agree on the potential impact of this missense change (SIFT: "Deleterious"; PolyPhen-2: "Benign"; Align-GVGD: "Class C15"). In summary, the available evidence is currently insufficient to determine the role of this variant in disease. Therefore, it has been classified as a Variant of Uncertain Significance.

NM_201384.3(PLEC):c.6067C>A (p.Arg2023Ser)

Gene: PLEC (plectin; minus strand). Cytogenetic location: 8q24.3.
Variant type: single nucleotide variant.
Coding change: c.6067C>A on transcript NM_201384.3 (MANE Select); coding-DNA position 6067, C replaced by A.
Protein change: p.Arg2023Ser; replaces arginine 2023 with serine.
Molecular consequence: missense variant.
Genome position (GRCh38, 1-based): chr8:143,923,862, G>T on the plus strand (C>A on the coding strand, the complement: PLEC is on the minus strand). VCF-style: chr8-143923862-G-T. GRCh37 (hg19) VCF-style: chr8-144998030-G-T.
Other names: c.6148C>A, p.Arg2050Ser (NM_000445.5); c.6025C>A, p.Arg2009Ser (NM_201378.4); c.6001C>A, p.Arg2001Ser (NM_201379.3); c.6478C>A, p.Arg2160Ser (NM_201380.4); c.5971C>A, p.Arg1991Ser (NM_201381.3); c.6067C>A, p.Arg2023Ser (NM_201382.4); c.6079C>A, p.Arg2027Ser (NM_201383.3); short protein forms R2001S, R2009S, R2023S, R1991S, R2027S, R2050S, R2160S.
Identifiers: ClinVar variation 1382387 (VCV001382387.6), dbSNP rs782091586, ClinGen allele CA372539384.